The following is an entry in ClinVar:

ClinVar aggregate classification (germline): Uncertain significance (1 of 4 stars; one submission).

Allele frequency attached by ClinVar (database versions not stated): gnomAD exomes 0.00001.
gnomAD v4.1: 3 of 1,614,230 alleles (0.00019%); highest among the groups gnomAD compares: Admixed American, 0.0017%; no homozygotes.

Submission:

Ambry Genetics
Classification: Uncertain significance. Last evaluated: 2024-05-29. Review status: criteria provided, single submitter. Criteria: Ambry Variant Classification Scheme 2023. Collection method: clinical testing. Allele origin: germline.
Comment: The p.N214S variant (also known as c.641A>G), located in coding exon 6 of the NQO1 gene, results from an A to G substitution at nucleotide position 641. The asparagine at codon 214 is replaced by serine, an amino acid with highly similar properties. This amino acid position is conserved. In addition, this alteration is predicted to be tolerated by in silico analysis. Since supporting evidence is limited at this time, the clinical significance of this alteration remains unclear.

NM_000903.3(NQO1):c.641A>G (p.Asn214Ser)

Gene: NQO1 (NAD(P)H quinone dehydrogenase 1; minus strand). Cytogenetic location: 16q22.1.
Variant type: single nucleotide variant.
Coding change: c.641A>G on transcript NM_000903.3 (MANE Select); coding-DNA position 641, A replaced by G.
Protein change: p.Asn214Ser; replaces asparagine 214 with serine.
Molecular consequence: missense variant.
Genome position (GRCh38, 1-based): chr16:69,711,160, T>C on the plus strand (A>G on the coding strand, the complement: NQO1 is on the minus strand). VCF-style: chr16-69711160-T-C. GRCh37 (hg19) VCF-style: chr16-69745063-T-C.
Other names: c.539A>G, p.Asn180Ser (NM_001025433.2); c.527A>G, p.Asn176Ser (NM_001025434.2); c.425A>G, p.Asn142Ser (NM_001286137.2); short protein forms N142S, N176S, N180S, N214S.
Identifiers: ClinVar variation 1753417 (VCV001753417.3), dbSNP rs1210866767, ClinGen allele CA396487704.
Genomic context (GRCh38, chr16:69,711,160, plus strand): 5'-TGGAAGTTTAGGTCAAAGAGGCTGCTTGGAGCAAAATACAGTGGTGTCTCATCCCAAATA[T>C]TCTCCAGGCGTTTCTTCCATCCTTCCAGGATTTGAATTCGGGCGTCTGCTGGAGTGTGCC-3'
Protein context (NP_000894.1, residues 204-224): ILEGWKKRLE[Asn214Ser]IWDETPLYFA